The following is an entry in ClinVar:

NM_000142.5(FGFR3):c.1756G>A (p.Glu586Lys)

Gene: FGFR3 (fibroblast growth factor receptor 3; plus strand). Cytogenetic location: 4p16.3.
Variant type: single nucleotide variant.
Coding change: c.1756G>A on transcript NM_000142.5 (MANE Select); coding-DNA position 1756, G replaced by A.
Protein change: p.Glu586Lys; replaces glutamic acid 586 with lysine.
Molecular consequence: missense variant. On other transcripts: non-coding transcript variant (1).
Genome position (GRCh38, 1-based): chr4:1,805,860, G>A. VCF-style: chr4-1805860-G-A. GRCh37 (hg19) VCF-style: chr4-1807587-G-A.
Other names: c.1762G>A, p.Glu588Lys (NM_001163213.2); c.1759G>A, p.Glu587Lys (NM_001354809.2, NM_001354810.2); c.1420G>A, p.Glu474Lys (NM_022965.4); c.1756G>A (NM_000142.4); short protein forms E474K, E586K, E587K, E588K.
Identifiers: ClinVar variation 811834 (VCV000811834.17), dbSNP rs576023546, ClinGen allele CA2810568.

ClinVar aggregate classification (germline): Uncertain significance. Review status: criteria provided, multiple submitters, no conflicts (2 of 4 stars). 4 submissions from 4 submitters: Uncertain significance (4). Last evaluated 2026-01-11.

Conditions:
FGFR3-related disorder. Also called: FGFR3-related disorders.

Allele frequency attached by ClinVar (database versions not stated): gnomAD 0.00001 and 0.00002; TOPMed 0.00001; gnomAD exomes 0.00003 and 0.00007; ExAC 0.00007; 1000 Genomes Project 30x 0.00016; 1000 Genomes Project 0.00020.
gnomAD v4.1: 46 of 1,612,688 alleles (0.0029%); highest among the groups gnomAD compares: Admixed American, 0.022%; no homozygotes.

Submissions (4):

PreventionGenetics, part of Exact Sciences
Classification: Uncertain significance for FGFR3-related condition. Last evaluated: 2026-01-11. Review status: criteria provided, single submitter. Criteria: ACMG Guidelines, 2015. Collection method: clinical testing. Allele origin: germline.
Comment: The FGFR3 c.1756G>A variant is predicted to result in the amino acid substitution p.Glu586Lys. To our knowledge, this variant has not been reported in the literature. This variant is reported in 0.028% of alleles in individuals of Latino descent in gnomAD. At this time, the clinical significance of this variant is uncertain due to the absence of conclusive functional and genetic evidence.

Women's Health and Genetics/Laboratory Corporation of America, LabCorp
Classification: Uncertain significance. Last evaluated: 2025-06-19. Review status: criteria provided, single submitter. Criteria: LabCorp Variant Classification Summary - May 2015. Collection method: clinical testing. Allele origin: germline.
Comment: Variant summary: FGFR3 c.1756G>A (p.Glu586Lys) results in a conservative amino acid change in the encoded protein sequence. Algorithms developed to predict the effect of missense changes on protein structure and function are either unavailable or do not agree on the potential impact of this missense change. The variant allele was found at a frequency of 6.8e-05 in 249094 control chromosomes. This frequency is not significantly higher than estimated for a pathogenic variant in FGFR3 causing Achondroplasia, allowing no conclusion about variant significance. To our knowledge, no occurrence of c.1756G>A in individuals affected with Achondroplasia and no experimental evidence demonstrating its impact on protein function have been reported. ClinVar contains an entry for this variant (Variation ID: 811834). Based on the evidence outlined above, the variant was classified as uncertain significance.

Labcorp Genetics (formerly Invitae), Labcorp
Classification: Uncertain significance. Last evaluated: 2024-10-25. Review status: criteria provided, single submitter. Criteria: Invitae Variant Classification Sherloc (09022015). Collection method: clinical testing. Allele origin: germline.
Comment: This sequence change replaces glutamic acid, which is acidic and polar, with lysine, which is basic and polar, at codon 586 of the FGFR3 protein (p.Glu586Lys). This variant is present in population databases (rs576023546, gnomAD 0.03%), and has an allele count higher than expected for a pathogenic variant. This variant has not been reported in the literature in individuals affected with FGFR3-related conditions. ClinVar contains an entry for this variant (Variation ID: 811834). Invitae Evidence Modeling of protein sequence and biophysical properties (such as structural, functional, and spatial information, amino acid conservation, physicochemical variation, residue mobility, and thermodynamic stability) indicates that this missense variant is not expected to disrupt FGFR3 protein function with a negative predictive value of 80%. In summary, the available evidence is currently insufficient to determine the role of this variant in disease. Therefore, it has been classified as a Variant of Uncertain Significance.

ARUP Laboratories, Molecular Genetics and Genomics, ARUP Laboratories
Classification: Uncertain significance. Last evaluated: 2018-12-12. Review status: criteria provided, single submitter. Criteria: ARUP Molecular Germline Variant Investigation Process. Collection method: clinical testing. Allele origin: germline.
Comment: The FGFR3 c.1756G>A; p.Glu586Lys variant (rs576023546), to our knowledge, is not reported in the medical literature or gene specific databases. This variant is found in the Latino population with an allele frequency of 0.028% (10/35,360 alleles) in the Genome Aggregation Database. The glutamic acid at codon 586 is moderately conserved, and computational analyses (SIFT, PolyPhen-2) predict that this variant is tolerated. Due to limited information, the clinical significance of the p.Glu586Lys variant is uncertain at this time.